The following is an entry in ClinVar:

NM_001365951.3(KIF1B):c.2222A>C (p.Gln741Pro)

Gene: KIF1B (kinesin family member 1B; plus strand). Cytogenetic location: 1p36.22.
Variant type: single nucleotide variant.
Coding change: c.2222A>C on transcript NM_001365951.3 (MANE Select); coding-DNA position 2222, A replaced by C.
Protein change: p.Gln741Pro; replaces glutamine 741 with proline.
Molecular consequence: missense variant.
Genome position (GRCh38, 1-based): chr1:10,321,721, A>C. VCF-style: chr1-10321721-A-C. GRCh37 (hg19) VCF-style: chr1-10381779-A-C.
Other names: c.2222A>C, p.Gln741Pro (NM_001365952.1); c.2084A>C, p.Gln695Pro (NM_015074.3); short protein forms Q741P, Q695P.
Identifiers: ClinVar variation 4043152 (VCV004043152.1).

ClinVar aggregate classification (germline): Uncertain significance (1 of 4 stars; one submission).

gnomAD v4.1: 1 of 1,614,198 alleles (0.000062%); highest among the groups gnomAD compares: Non-Finnish European, 0.000085%; no homozygotes.

Submission:

Ambry Genetics
Classification: Uncertain significance. Last evaluated: 2025-05-25. Review status: criteria provided, single submitter. Criteria: Ambry Variant Classification Scheme 2023. Collection method: clinical testing. Allele origin: germline.
Comment: The p.Q695P variant (also known as c.2084A>C), located in coding exon 21 of the KIF1B gene, results from an A to C substitution at nucleotide position 2084. The glutamine at codon 695 is replaced by proline, an amino acid with similar properties. This amino acid position is conserved. In addition, this alteration is predicted to be tolerated by in silico analysis. Based on the available evidence, the clinical significance of this variant remains unclear.